The following is an entry in ClinVar:

ClinVar aggregate classification (germline): Uncertain significance. Review status: criteria provided, multiple submitters, no conflicts (2 of 4 stars). 3 submissions from 3 submitters: Uncertain significance (3). Last evaluated 2024-03-01.

Conditions:
Inborn genetic diseases. Identifiers: MedGen C0950123, MeSH D030342.
NLGN3-related disorder. Also called: NLGN3-related condition.

Allele frequency attached by ClinVar (database versions not stated): gnomAD 0.00001; gnomAD exomes 0.00001; TOPMed 0.00001; ExAC 0.00002.

Submissions (3):

CeGaT Center for Human Genetics Tuebingen
Classification: Uncertain significance. Last evaluated: 2024-03-01. Review status: criteria provided, single submitter. Criteria: CeGaT Center For Human Genetics Tuebingen Variant Classification Criteria Version 2. Collection method: clinical testing. Allele origin: germline. Affected: yes. Observed: 1 variant allele.

Ambry Genetics
Classification: Uncertain significance for Inborn genetic diseases. Last evaluated: 2023-11-29. Review status: criteria provided, single submitter. Criteria: Ambry Variant Classification Scheme 2023. Collection method: clinical testing. Allele origin: germline.

PreventionGenetics, part of Exact Sciences
Classification: Uncertain significance for NLGN3-related condition. Last evaluated: 2023-04-27. Review status: criteria provided, single submitter. Criteria: ACMG Guidelines, 2015. Collection method: clinical testing. Allele origin: germline.
Comment: The NLGN3 c.2480G>A variant is predicted to result in the amino acid substitution p.Arg827Gln. To our knowledge, this variant has not been reported in the literature. This variant is reported in 0.0012% of alleles in individuals of European (Non-Finnish) descent in gnomAD. At this time, the clinical significance of this variant is uncertain due to the absence of conclusive functional and genetic evidence.

NM_181303.2(NLGN3):c.2540G>A (p.Arg847Gln)

Gene: NLGN3 (neuroligin 3; plus strand). Cytogenetic location: Xq13.1.
Variant type: single nucleotide variant.
Coding change: c.2540G>A on transcript NM_181303.2 (MANE Select); coding-DNA position 2540, G replaced by A.
Protein change: p.Arg847Gln; replaces arginine 847 with glutamine.
Molecular consequence: missense variant.
Genome position (GRCh38, 1-based): chrX:71,170,090, G>A. VCF-style: chrX-71170090-G-A. GRCh37 (hg19) VCF-style: chrX-70389940-G-A.
Other names: c.2420G>A, p.Arg807Gln (NM_001166660.2); c.2129G>A, p.Arg710Gln (NM_001321276.2); c.2480G>A, p.Arg827Gln (NM_018977.4); short protein forms R710Q, R807Q, R827Q, R847Q.
Identifiers: ClinVar variation 2628709 (VCV002628709.23), dbSNP rs777522458, ClinGen allele CA10445254.